The following is an entry in ClinVar:

ClinVar aggregate classification (germline): Uncertain significance (1 of 4 stars; one submission).

Submission:

Labcorp Genetics (formerly Invitae), Labcorp
Classification: Uncertain significance. Last evaluated: 2022-05-24. Review status: criteria provided, single submitter. Criteria: Invitae Variant Classification Sherloc (09022015). Collection method: clinical testing. Allele origin: germline.
Comment: This sequence change replaces methionine, which is neutral and non-polar, with leucine, which is neutral and non-polar, at codon 2489 of the LRP2 protein (p.Met2489Leu). This variant is not present in population databases (gnomAD no frequency). This variant has not been reported in the literature in individuals affected with LRP2-related conditions. Advanced modeling of protein sequence and biophysical properties (such as structural, functional, and spatial information, amino acid conservation, physicochemical variation, residue mobility, and thermodynamic stability) performed at Invitae indicates that this missense variant is not expected to disrupt LRP2 protein function. In summary, the available evidence is currently insufficient to determine the role of this variant in disease. Therefore, it has been classified as a Variant of Uncertain Significance.

NM_004525.3(LRP2):c.7465A>T (p.Met2489Leu)

Gene: LRP2 (LDL receptor related protein 2; minus strand). Cytogenetic location: 2q31.1.
Variant type: single nucleotide variant.
Coding change: c.7465A>T on transcript NM_004525.3 (MANE Select); coding-DNA position 7465, A replaced by T.
Protein change: p.Met2489Leu; replaces methionine 2489 with leucine.
Molecular consequence: missense variant.
Genome position (GRCh38, 1-based): chr2:169,206,114, T>A on the plus strand (A>T on the coding strand, the complement: LRP2 is on the minus strand). VCF-style: chr2-169206114-T-A. GRCh37 (hg19) VCF-style: chr2-170062624-T-A.
Other names: short protein forms M2489L.
Identifiers: ClinVar variation 2022386 (VCV002022386.1), dbSNP rs2105332220, ClinGen allele CA349170258.